The following is an entry in ClinVar:

NM_014844.5(TECPR2):c.3263_3265delinsGC (p.Val1088fs)

Gene: TECPR2 (tectonin beta-propeller repeat containing 2; plus strand). Cytogenetic location: 14q32.31.
Variant type: Indel.
Coding change: c.3263_3265delinsGC on transcript NM_014844.5 (MANE Select); coding-DNA positions 3263 to 3265, TCT replaced by GC.
Protein change: p.Val1088fs; shifts the reading frame from valine 1088.
Molecular consequence: frameshift variant.
Genome position (GRCh38, 1-based): chr14:102,449,816-102,449,818, TCT replaced by GC. VCF-style: chr14-102449816-TCT-GC. GRCh37 (hg19) VCF-style: chr14-102916153-TCT-GC.
Other names: c.3263_3265delinsGC, p.Val1088fs (NM_001172631.3); short protein forms V1088fs.
Identifiers: ClinVar variation 4815748 (VCV004815748.1).

ClinVar aggregate classification (germline): Likely pathogenic (1 of 4 stars; one submission).

Conditions:
Hereditary spastic paraplegia 49 (HSAN9). Also called: TECPR2-Related Hereditary Sensory and Autonomic Neuropathy with Intellectual Disability; Spastic paraplegia 49, autosomal recessive; NEUROPATHY, HEREDITARY SENSORY AND AUTONOMIC, TYPE IX, WITH DEVELOPMENTAL DELAY. Identifiers: Orphanet 320385, MedGen C5190860, MONDO:0014016, OMIM 615031.

Submission:

Natera, Inc.
Classification: Likely pathogenic for Autosomal recessive spastic paraplegia type 49. Last evaluated: 2024-07-09. Review status: criteria provided, single submitter. Criteria: Natera Variant Classification Schema (03/2026). Collection method: clinical testing. Allele origin: germline.
Comment: The c.3263_3265delinsGC variant in TECPR2 is a frameshift variant predicted to shift the reading frame beginning at codon 1088 and leads to a stop codon 18 codons downstream. This variant is expected to result in nonsense mediated decay, truncation, or a dysfunctional protein product. This variant is rare in the general population with a frequency below the threshold expected for the associated phenotype(s). Given the available evidence, this variant is classified as Likely Pathogenic.